The following is an entry in ClinVar:

NM_000362.5(TIMP3):c.51G>T (p.Gly17=)

Genes: SYN3 (synapsin III; minus strand), TIMP3 (TIMP metallopeptidase inhibitor 3; plus strand). Cytogenetic location: 22q12.3.
Variant type: single nucleotide variant.
Coding change: c.51G>T on transcript NM_000362.5 (MANE Select); coding-DNA position 51, G replaced by T.
Protein change: p.Gly17=; no amino-acid change (glycine 17 retained).
Molecular consequence: synonymous variant. On other transcripts: intron variant (7).
Genome position (GRCh38, 1-based): chr22:32,802,052, G>T. VCF-style: chr22-32802052-G-T. GRCh37 (hg19) VCF-style: chr22-33198038-G-T.
Other names: c.708+62863C>A (NM_001369909.1, NM_001135774.2, NM_001369910.1); c.711+62863C>A (NM_001369907.1, NM_003490.4, NM_001369908.1 and 1 more transcripts); c.51G>T (NM_000362.4).
Identifiers: ClinVar variation 1284276 (VCV001284276.34), dbSNP rs372767593, ClinGen allele CA10202144.

ClinVar aggregate classification (germline): Benign/Likely benign. Review status: criteria provided, multiple submitters, no conflicts (2 of 4 stars). 6 submissions from 6 submitters: Benign (1); Likely benign (3). 2 of the submissions do not count toward it. Last evaluated 2025-10-30.

Conditions:
TIMP3-related disorder. Also called: TIMP3-related condition.

Allele frequency attached by ClinVar (database versions not stated): TOPMed 0.00005; gnomAD exomes 0.00010 and 0.00018; gnomAD 0.00018 and 0.00019; ESP Exome Variant Server 0.00024; ExAC 0.00038.
gnomAD v4.1: 179 of 1,576,652 alleles (0.011%); highest among the groups gnomAD compares: Non-Finnish European, 0.0095%; no homozygotes.

Submissions (8):

PreventionGenetics, part of Exact Sciences
Classification: Likely benign for TIMP3-related condition. Last evaluated: 2025-10-30. Review status: criteria provided, single submitter. Criteria: ACMG Guidelines, 2015. Collection method: clinical testing. Allele origin: germline.
Comment: This variant is classified as likely benign based on ACMG/AMP sequence variant interpretation guidelines (Richards et al. 2015 PMID: 25741868, with internal and published modifications).

Labcorp Genetics (formerly Invitae), Labcorp
Classification: Benign. Last evaluated: 2024-10-16. Review status: criteria provided, single submitter. Criteria: Invitae Variant Classification Sherloc (09022015). Collection method: clinical testing. Allele origin: germline.

Blueprint Genetics
Classification: Likely benign. Last evaluated: 2024-09-19. Review status: criteria provided, single submitter. Criteria: ACMG Guidelines, 2015. Collection method: clinical testing. Allele origin: germline.

CeGaT Center for Human Genetics Tuebingen
Classification: Likely benign. Last evaluated: 2022-11-01. Review status: criteria provided, single submitter. Criteria: CeGaT Center For Human Genetics Tuebingen Variant Classification Criteria Version 2. Collection method: clinical testing. Allele origin: germline. Affected: yes. Observed: 1 variant allele.
Comment: TIMP3: BP4, BP7

Clinical Genetics DNA and cytogenetics Diagnostics Lab, Erasmus MC, Erasmus Medical Center
Classification: Likely benign. Review status: no assertion criteria provided. Collection method: clinical testing. Allele origin: germline. Affected: yes. Study: VKGL Data-share Consensus. Not counted in ClinVar's aggregate classification.

Clinical Genetics, Academic Medical Center
Classification: Likely benign. Review status: no assertion criteria provided. Collection method: clinical testing. Allele origin: germline. Affected: yes. Study: VKGL Data-share Consensus. Not counted in ClinVar's aggregate classification.

Dr. Peter K. Rogan Lab, Western University
No classification provided (evidence only). Condition: Sarcoma. Review status: no classification provided. Collection method: in vitro. Allele origin: not applicable. Functional consequence: retained intron. Not counted in ClinVar's aggregate classification.

Dr. Peter K. Rogan Lab, Western University
No classification provided (evidence only). Condition: Hepatocellular carcinoma. Review status: no classification provided. Collection method: in vitro. Allele origin: not applicable. Functional consequence: retained intron. Not counted in ClinVar's aggregate classification.